The following is an entry in ClinVar:

NM_181712.5(KANK4):c.797A>G (p.Asp266Gly)

Gene: KANK4 (KN motif and ankyrin repeat domains 4; minus strand). Cytogenetic location: 1p31.3.
Variant type: single nucleotide variant.
Coding change: c.797A>G on transcript NM_181712.5 (MANE Select); coding-DNA position 797, A replaced by G.
Protein change: p.Asp266Gly; replaces aspartic acid 266 with glycine.
Molecular consequence: missense variant. On other transcripts: intron variant (1).
Genome position (GRCh38, 1-based): chr1:62,274,307, T>C on the plus strand (A>G on the coding strand, the complement: KANK4 is on the minus strand). VCF-style: chr1-62274307-T-C. GRCh37 (hg19) VCF-style: chr1-62739979-T-C.
Other names: c.17-2718A>G (NM_001320269.2); short protein forms D266G.
Identifiers: ClinVar variation 2344310 (VCV002344310.3), dbSNP rs200292056, ClinGen allele CA884496.

ClinVar aggregate classification (germline): Uncertain significance. Review status: criteria provided, multiple submitters, no conflicts (2 of 4 stars). 2 submissions from 2 submitters: Uncertain significance (2). Last evaluated 2025-08-04.

Allele frequency attached by ClinVar (database versions not stated): gnomAD 0.00001; TOPMed 0.00004; ExAC 0.00010.
gnomAD v4.1: 106 of 1,614,054 alleles (0.0066%); highest among the groups gnomAD compares: Middle Eastern, 0.082%; no homozygotes.

Submissions (2):

Labcorp Genetics (formerly Invitae), Labcorp
Classification: Uncertain significance. Last evaluated: 2025-08-04. Review status: criteria provided, single submitter. Criteria: Invitae Variant Classification Sherloc (09022015). Collection method: clinical testing. Allele origin: germline.
Comment: This sequence change replaces aspartic acid, which is acidic and polar, with glycine, which is neutral and non-polar, at codon 266 of the KANK4 protein (p.Asp266Gly). This variant is present in population databases (rs200292056, gnomAD 0.02%). This variant has not been reported in the literature in individuals affected with KANK4-related conditions. ClinVar contains an entry for this variant (Variation ID: 2344310). An algorithm developed to predict the effect of missense changes on protein structure and function outputs the following: PolyPhen-2: "Benign". The glycine amino acid residue is found in multiple mammalian species, which suggests that this missense change does not adversely affect protein function. In summary, the available evidence is currently insufficient to determine the role of this variant in disease. Therefore, it has been classified as a Variant of Uncertain Significance.

Ambry Genetics
Classification: Uncertain significance. Last evaluated: 2022-05-18. Review status: criteria provided, single submitter. Criteria: Ambry Variant Classification Scheme 2023. Collection method: clinical testing. Allele origin: germline.